The following is an entry in ClinVar:

ClinVar aggregate classification (germline): Uncertain significance (1 of 4 stars; one submission).

Allele frequency attached by ClinVar (database versions not stated): gnomAD exomes below 0.00001.
gnomAD v4.1: 1 of 1,613,988 alleles (0.000062%); highest among the groups gnomAD compares: Non-Finnish European, 0.000085%; no homozygotes.

Submission:

Labcorp Genetics (formerly Invitae), Labcorp
Classification: Uncertain significance. Last evaluated: 2021-04-05. Review status: criteria provided, single submitter. Criteria: Invitae Variant Classification Sherloc (09022015). Collection method: clinical testing. Allele origin: germline.
Comment: Algorithms developed to predict the effect of missense changes on protein structure and function are either unavailable or do not agree on the potential impact of this missense change (SIFT: "Deleterious"; PolyPhen-2: "Benign"; Align-GVGD: "Class C25"). In summary, the available evidence is currently insufficient to determine the role of this variant in disease. Therefore, it has been classified as a Variant of Uncertain Significance. This variant has not been reported in the literature in individuals with IFT43-related conditions. This variant is not present in population databases (ExAC no frequency). This sequence change replaces isoleucine with valine at codon 105 of the IFT43 protein (p.Ile105Val). The isoleucine residue is highly conserved and there is a small physicochemical difference between isoleucine and valine.

NM_001102564.3(IFT43):c.298A>G (p.Ile100Val)

Gene: IFT43 (intraflagellar transport 43; plus strand). Cytogenetic location: 14q24.3.
Variant type: single nucleotide variant.
Coding change: c.298A>G on transcript NM_001102564.3 (MANE Select); coding-DNA position 298, A replaced by G.
Protein change: p.Ile100Val; replaces isoleucine 100 with valine.
Molecular consequence: missense variant. On other transcripts: non-coding transcript variant (2).
Genome position (GRCh38, 1-based): chr14:76,082,297, A>G. VCF-style: chr14-76082297-A-G. GRCh37 (hg19) VCF-style: chr14-76548640-A-G.
Other names: c.313A>G, p.Ile105Val (NM_052873.3); short protein forms I100V, I105V.
Identifiers: ClinVar variation 1447302 (VCV001447302.8), dbSNP rs2140099322, ClinGen allele CA390473766.
Genomic context (GRCh38, chr14:76,082,297, plus strand): 5'-AAGCAGGCACAATCCCTATGAGTTCTGCAGACAGTGTTGCCTCTGCCTCTCCTTGCAGAT[A>G]TTCCTATCATTCCGGATCTGGAGGAAGTACAGGAAGAAGACTTTGTTTTGCAGGTGGCAG-3'
Protein context (NP_001096034.1, residues 90-110): SLNGSDYGGD[Ile100Val]PIIPDLEEVQ